The following is an entry in ClinVar:

NM_000419.5(ITGA2B):c.804C>T (p.Tyr268=)

Gene: ITGA2B (integrin subunit alpha 2b; minus strand). Cytogenetic location: 17q21.31.
Variant type: single nucleotide variant.
Coding change: c.804C>T on transcript NM_000419.5 (MANE Select); coding-DNA position 804, C replaced by T.
Protein change: p.Tyr268=; no amino-acid change (tyrosine 268 retained).
Molecular consequence: synonymous variant.
Genome position (GRCh38, 1-based): chr17:44,384,581, G>A on the plus strand (C>T on the coding strand, the complement: ITGA2B is on the minus strand). VCF-style: chr17-44384581-G-A. GRCh37 (hg19) VCF-style: chr17-42461949-G-A.
Other names: c.804C>T (NM_000419.4).
Identifiers: ClinVar variation 2194607 (VCV002194607.5), dbSNP rs539018660, ClinGen allele CA8603332.

ClinVar aggregate classification (germline): Likely benign. Review status: criteria provided, multiple submitters, no conflicts (2 of 4 stars). 2 submissions from 2 submitters: Likely benign (2). Last evaluated 2025-12-01.

Conditions:
ITGA2B-related disorder. Also called: ITGA2B-related disorders; ITGA2B-related condition.
Glanzmann thrombasthenia. Also called: PLATELET GLYCOPROTEIN IIb-IIIa DEFICIENCY; THROMBASTHENIA OF GLANZMANN AND NAEGELI; Thrombasthenia; Glanzmann's thrombasthenia. Identifiers: Orphanet 849, MedGen C0040015, MONDO:0100326.

Allele frequency attached by ClinVar (database versions not stated): gnomAD exomes 0.00002; TOPMed 0.00002; ExAC 0.00003; gnomAD 0.00005; 1000 Genomes Project 30x 0.00047; 1000 Genomes Project 0.00060.
gnomAD v4.1: 43 of 1,614,104 alleles (0.0027%); highest among the groups gnomAD compares: South Asian, 0.042%; no homozygotes.

Submissions (2):

Labcorp Genetics (formerly Invitae), Labcorp
Classification: Likely benign for Glanzmann thrombasthenia. Last evaluated: 2025-12-01. Review status: criteria provided, single submitter. Criteria: Invitae Variant Classification Sherloc (09022015). Collection method: clinical testing. Allele origin: germline.

PreventionGenetics, part of Exact Sciences
Classification: Likely benign for ITGA2B-related condition. Last evaluated: 2025-07-30. Review status: criteria provided, single submitter. Criteria: ACMG Guidelines, 2015. Collection method: clinical testing. Allele origin: germline.
Comment: This variant is classified as likely benign based on ACMG/AMP sequence variant interpretation guidelines (Richards et al. 2015 PMID: 25741868, with internal and published modifications).